The following is an entry in ClinVar:

NM_001386393.1(PANK2):c.192G>T (p.Ala64=)

Genes: PANK2 (pantothenate kinase 2; plus strand), LOC130065345 (ATAC-STARR-seq lymphoblastoid silent region 12635; plus strand). Cytogenetic location: 20p13.
Variant type: single nucleotide variant.
Coding change: c.192G>T on transcript NM_001386393.1 (MANE Select); coding-DNA position 192, G replaced by T.
Protein change: p.Ala64=; no amino-acid change (alanine 64 retained).
Molecular consequence: synonymous variant. On other transcripts: 5 prime UTR variant (1), non-coding transcript variant (1), intron variant (1).
Genome position (GRCh38, 1-based): chr20:3,889,622, G>T. VCF-style: chr20-3889622-G-T. GRCh37 (hg19) VCF-style: chr20-3870269-G-T.
Other names: c.-520G>T (NM_001324191.2); c.522G>T, p.Ala174= (NM_001324192.1, NM_153638.4); c.-246+718G>T (NM_024960.6).
Identifiers: ClinVar variation 2767607 (VCV002767607.5), dbSNP rs763715231, ClinGen allele CA9750597.

ClinVar aggregate classification (germline): Likely benign. Review status: criteria provided, multiple submitters, no conflicts (2 of 4 stars). 3 submissions from 3 submitters: Likely benign (3). Last evaluated 2026-07-01.

Conditions:
Pigmentary pallidal degeneration (NBIA1). Also called: HARP SYNDROME; Pantothenate Kinase-Associated Neurodegeneration; Neuroaxonal dystrophy, late infantile; Hallervorden-Spatz disease; Neurodegeneration with brain iron accumulation 1; PKAN NEUROAXONAL DYSTROPHY, JUVENILE-ONSET. Identifiers: Orphanet 157850, MedGen C0018523, MONDO:0009319, OMIM 234200.

Allele frequency attached by ClinVar (database versions not stated): gnomAD 0.00001; gnomAD exomes 0.00003; ExAC 0.00058.
gnomAD v4.1: 43 of 1,546,568 alleles (0.0028%); highest among the groups gnomAD compares: South Asian, 0.027%; 1 homozygote.

Submissions (3):

CeGaT Center for Human Genetics Tuebingen
Classification: Likely benign. Last evaluated: 2026-07-01. Review status: criteria provided, single submitter. Criteria: CeGaT Center For Human Genetics Tuebingen Variant Classification Criteria Version 2. Collection method: clinical testing. Allele origin: germline. Affected: yes. Observed: 1 variant allele.
Comment: PANK2: BP4, BP7

Labcorp Genetics (formerly Invitae), Labcorp
Classification: Likely benign for Pigmentary pallidal degeneration. Last evaluated: 2025-03-14. Review status: criteria provided, single submitter. Criteria: Invitae Variant Classification Sherloc (09022015). Collection method: clinical testing. Allele origin: germline.

Blueprint Genetics
Classification: Likely benign. Last evaluated: 2024-11-12. Review status: criteria provided, single submitter. Criteria: ACMG Guidelines, 2015. Collection method: clinical testing. Allele origin: germline.